The following is an entry in ClinVar:

NM_001170629.2(CHD8):c.6131G>A (p.Arg2044Gln)

Gene: CHD8 (chromodomain helicase DNA binding protein 8; minus strand). Cytogenetic location: 14q11.2.
Variant type: single nucleotide variant.
Coding change: c.6131G>A on transcript NM_001170629.2 (MANE Select); coding-DNA position 6131, G replaced by A.
Protein change: p.Arg2044Gln; replaces arginine 2044 with glutamine.
Molecular consequence: missense variant.
Genome position (GRCh38, 1-based): chr14:21,393,664, C>T on the plus strand (G>A on the coding strand, the complement: CHD8 is on the minus strand). VCF-style: chr14-21393664-C-T. GRCh37 (hg19) VCF-style: chr14-21861823-C-T.
Other names: c.5294G>A, p.Arg1765Gln (NM_020920.4); short protein forms R1765Q, R2044Q.
Identifiers: ClinVar variation 587911 (VCV000587911.11), dbSNP rs370062980, ClinGen allele CA7090835.
Genomic context (GRCh38, chr14:21,393,664, plus strand): 5'-TCCAGTTTGACTGGTGGAACACTCCGGGAAACCAGAGGGGTAGTATCAGAGGGGGATACT[C>T]GCATCTCATAGTCTTGTGGGGTTGGTCGGCTCCTGGCCACCACCTCGTGCTCTAGCTTTA-3'
Protein context (NP_001164100.1, residues 2034-2054): SRPTPQDYEM[Arg2044Gln]VSPSDTTPLV

ClinVar aggregate classification (germline): Conflicting classifications of pathogenicity. Review status: criteria provided, conflicting classifications (1 of 4 stars). 3 submissions from 3 submitters: Uncertain significance (2); Likely benign (1). Last evaluated 2025-10-24.

Conditions:
Inborn genetic diseases. Identifiers: MedGen C0950123, MeSH D030342.
Intellectual developmental disorder with autism and macrocephaly. Also called: Autism, susceptibility to, 18; CHD8-Related Neurodevelopmental Disorder with Overgrowth. Identifiers: Orphanet 642675, MedGen C3554373, MONDO:0014017, OMIM 615032.

Allele frequency attached by ClinVar (database versions not stated): ExAC 0.00002; gnomAD exomes 0.00002; gnomAD 0.00003; TOPMed 0.00003; ESP Exome Variant Server 0.00008.
gnomAD v4.1: 26 of 1,613,782 alleles (0.0016%); highest among the groups gnomAD compares: African/African-American, 0.0053%; no homozygotes.

Submissions (3):

Ambry Genetics
Classification: Likely benign for Inborn genetic diseases. Last evaluated: 2025-10-24. Review status: criteria provided, single submitter. Criteria: Ambry Variant Classification Scheme 2023. Collection method: clinical testing. Allele origin: germline.

Labcorp Genetics (formerly Invitae), Labcorp
Classification: Uncertain significance. Last evaluated: 2023-08-02. Review status: criteria provided, single submitter. Criteria: Invitae Variant Classification Sherloc (09022015). Collection method: clinical testing. Allele origin: germline.
Comment: This sequence change replaces arginine, which is basic and polar, with glutamine, which is neutral and polar, at codon 2044 of the CHD8 protein (p.Arg2044Gln). This variant is present in population databases (rs370062980, gnomAD 0.006%). This variant has not been reported in the literature in individuals affected with CHD8-related conditions. ClinVar contains an entry for this variant (Variation ID: 587911). An algorithm developed to predict the effect of missense changes on protein structure and function (PolyPhen-2) suggests that this variant is likely to be tolerated. In summary, the available evidence is currently insufficient to determine the role of this variant in disease. Therefore, it has been classified as a Variant of Uncertain Significance.

Institute of Human Genetics, Clinical Exome/Genome Diagnostics Group, University Hospital Bonn
Classification: Uncertain significance for Intellectual developmental disorder with autism and macrocephaly. Last evaluated: 2022-05-30. Review status: criteria provided, single submitter. Criteria: ACMG Guidelines, 2015. Collection method: clinical testing. Allele origin: germline. Affected: yes.